The following is an entry in ClinVar:

NM_000257.4(MYH7):c.2606G>A (p.Arg869His)

Genes: MYH7 (myosin heavy chain 7; minus strand), LOC126861898 (BRD4-independent group 4 enhancer GRCh37_chr14:23893609-23894808; plus strand). Cytogenetic location: 14q11.2.
Variant type: single nucleotide variant.
Coding change: c.2606G>A on transcript NM_000257.4 (MANE Select); coding-DNA position 2606, G replaced by A.
Protein change: p.Arg869His; replaces arginine 869 with histidine.
Molecular consequence: missense variant.
Genome position (GRCh38, 1-based): chr14:23,424,842, C>T on the plus strand (G>A on the coding strand, the complement: MYH7 is on the minus strand). VCF-style: chr14-23424842-C-T. GRCh37 (hg19) VCF-style: chr14-23894051-C-T.
Other names: NM_000257.4(MYH7):c.2606G>A; short protein forms R869H.
Identifiers: ClinVar variation 177667 (VCV000177667.101), dbSNP rs202141173, ClinGen allele CA012723.
Genomic context (GRCh38, chr14:23,424,842, plus strand): 5'-AGCTGCAGGTCATTCTTCTCCTGCAGCAGGGACACCATCTTCTCCTCCAGCTCCTTGCGG[C>T]GAGCCTCGGACTTCTCTAGCGCCTCTTTGAGGCGTGTGAACTCCTCCTTCATGGAGGCCA-3'
Protein context (NP_000248.2, residues 859-879): LKEALEKSEA[Arg869His]RKELEEKMVS

ClinVar aggregate classification (germline): Likely pathogenic. Review status: reviewed by expert panel (3 of 4 stars). 24 submissions from 24 submitters: Likely pathogenic (1). 23 of the submissions do not count toward it. Last evaluated 2021-09-28.

Conditions:
MYH7-related disorder. Also called: MYH7-related disorders; MYH7-related condition; MYH7-related disease.
Dilated cardiomyopathy 1S (CMD1S). Identifiers: Orphanet 154, Orphanet 54260, MedGen C1834481, MONDO:0013262, OMIM 613426.
Congenital myopathy with fiber type disproportion. Also called: Congenital fiber-type disproportion; Congenital fiber-type disproportion myopathy. Identifiers: Orphanet 2020, MedGen C0546264, MONDO:0009711. Inheritance: all.
MYH7-related skeletal myopathy. Also called: MYOPATHY, DISTAL, EARLY-ONSET, AUTOSOMAL DOMINANT; MYOPATHY, LATE DISTAL HEREDITARY; Myopathy, distal, 1; Laing distal myopathy; Laing early-onset distal myopathy. Identifiers: Orphanet 59135, MedGen C4552004, MONDO:0008050, OMIM 160500.
Myopathy, myosin storage, autosomal recessive (CMYO7B). Also called: CONGENITAL MYOPATHY 7B, MYOSIN STORAGE, AUTOSOMAL RECESSIVE. Identifiers: Orphanet 636970, MedGen C1850709, MONDO:0009708, OMIM 255160.
Myosin storage myopathy (CMYO7A). Also called: MYH7-related late-onset scapuloperoneal muscular dystrophy; Congenital myopathy 7A, myosin storage, autosomal dominant; MYOPATHY, HYALINE BODY, AUTOSOMAL DOMINANT; SCAPULOPERONEAL MUSCULAR DYSTROPHY; SCAPULOPERONEAL SYNDROME, MYOPATHIC TYPE; Scapuloperoneal myopathy, MYH7-related. Identifiers: Orphanet 437572, Orphanet 636965, MedGen C1842160, MONDO:0008409, OMIM 608358.
Hypertrophic cardiomyopathy 1 (CMH1). Also called: Familial hypertrophic cardiomyopathy 1; MYH7-Related Familial Hypertrophic Cardiomyopathy. Identifiers: MedGen C3495498, MONDO:0008647, OMIM 192600.
Cardiovascular phenotype. Identifiers: MedGen CN230736.
Cardiomyopathy (CMYO). Also called: Cardiomyopathies. Identifiers: Orphanet 167848, MedGen C0878544, MONDO:0004994, HP:0001638. Inheritance: Various modes of inheritance.
Primary familial hypertrophic cardiomyopathy (HCM). Identifiers: Orphanet 99739, MedGen C0949658, MeSH D024741, MONDO:0024573. Inheritance: Various modes of inheritance.
Hypertrophic cardiomyopathy. Also called: HYPERTROPHIC MYOCARDIOPATHY. Identifiers: Orphanet 217569, MedGen C0007194, MeSH D002312, MONDO:0005045, HP:0001639.

Allele frequency attached by ClinVar (database versions not stated): gnomAD exomes 0.00001 and 0.00002; ExAC 0.00003; TOPMed 0.00006; gnomAD 0.00009; 1000 Genomes Project 30x 0.00016; 1000 Genomes Project 0.00020.
gnomAD v4.1: 28 of 1,614,208 alleles (0.0017%); highest among the groups gnomAD compares: African/African-American, 0.013%; no homozygotes.

Submissions 1 to 5 of 24:

ClinGen Cardiomyopathy Variant Curation Expert Panel
Classification: Likely pathogenic for Hypertrophic cardiomyopathy. Last evaluated: 2021-09-28. Review status: reviewed by expert panel. Criteria: ClinGen CMP ACMG Specifications v1. Collection method: curation. Allele origin: germline. Inheritance: Autosomal dominant inheritance.
Comment: The NM_000257.4(MYH7):c.2606G>A (p.Arg869His) variant has been identified in >30 individuals with HCM, including at least 2 individuals with an additional variant in another gene that may contribute to their disease (PS4; Van Driest 2004 PMID: 15358028; Girolami 2006 PMID: 16858239; Cecchi 2006 PMID: 17180650; Olivotto 2008 PMID: 18533079; Girolami 2010 PMID: 20359594; Olivotto 2011 PMID: 21835430; Witjas-Paalberends 2013 PMID: 23674513; Marsiglia 2013 PMID: 24093860; Bos 2014 PMID: 24793961; Coppini 2014 PMID: 25524337; Adalsteinsdottir 2014 PMID: 25078086; Homburger 2016 PMID: 27247418; Viswanathan 2017 PMID: 29121657; Walsh 2017 PMID: 2753225; Ho 2018 PMID: 30297972; Ambry pers. comm.; Centenary Institute Sydney pers. comm.; CHEO pers. comm.; GeneDx pers. comm.; Invitae pers. comm.; LMM pers. comm.; OMGL pers. comm.). This variant also segregated in 6 affected relatives with HCM from at least two families (PP1_Moderate; Girolami 2010 PMID: 20359594; GeneDx pers. comm.). Additionally, this variant has also been reported in 1 individual with DCM with an additional variant in another gene that may contribute to their disease, 1 individual with LVH and suspected HCM, 1 individual with LVNC, 1 individual with septal hypertrophy with AV conduction defect, and 4 individuals with unspecified heart disease (Ambry pers. comm.; GenDx pers. comm.). This variant was identified in 0.002% (FAF 95% CI; 2/16254) of African chromosomes by gnomAD v2.1.1, but has also been identified in a greater number of African chromosomes in gnomAD v.3.1. Therefore, the PM2 criterion was downgraded to PM2_supporting. This variant lies in the head region of the protein (aa 181-937) and missense variants in this region are statistically more likely to be associated with HCM (PM1; Walsh 2017 PMID:27532257). Computational prediction tools and conservation analyses do not provide strong support for or against an impact to the protein. In summary, this variant meets criteria to be classified as likely pathogenic for hypertrophic cardiomyopathy in an autosomal dominant manner. ACMG/AMP Criteria applied: PS4, PP1_Moderate, PM2_Supporting, PM1.

Ambry Genetics
Classification: Pathogenic for Cardiovascular phenotype. Last evaluated: 2026-04-16. Review status: criteria provided, single submitter. Criteria: Ambry Variant Classification Scheme 2023. Collection method: clinical testing. Allele origin: germline. Not counted in ClinVar's aggregate classification.
Comment: The c.2606G>A (p.R869H) alteration is located in exon 22 (coding exon 20) of the MYH7 gene. This alteration results from a G to A substitution at nucleotide position 2606, causing the arginine (R) at amino acid position 869 to be replaced by a histidine (H). Based on data from gnomAD, the A allele has an overall frequency of 0.002% (6/251440) total alleles studied. The highest observed frequency was 0.012% (2/16254) of African alleles. This variant has been reported in numerous individuals with hypertrophic cardiomyopathy (HCM), although clinical details were limited in some cases (Van Driest, 2004; Olivotto, 2008; Girolami, 2010; Witjas-Paalberends, 2013; Adalsteinsdottir, 2014; Lopes, 2015; Ambry internal data). This variant was also reported to segregate with disease in multiple affected family members (Maurizi, 2018; external communication). This amino acid position is well conserved in available vertebrate species. This variant is located in the myosin head domain, which contains a statistically significant clustering of pathogenic missense variants (Homburger, 2016; Walsh, 2017; Ambry internal data). This alteration is predicted to be deleterious by in silico analysis. Based on the available evidence, this alteration is classified as pathogenic.

Victorian Clinical Genetics Services, Murdoch Childrens Research Institute
Classification: Likely pathogenic for Hypertrophic cardiomyopathy 1. Last evaluated: 2026-03-16. Review status: criteria provided, single submitter. Criteria: ACMG Guidelines, 2015. Collection method: clinical testing. Allele origin: germline. Affected: no. Not counted in ClinVar's aggregate classification.
Comment: This variant is classified as Likely pathogenic. Evidence in support of pathogenic classification: Variant is present in gnomAD <0.01 (v4: 28 heterozygote(s), 0 homozygote(s)); This variant has strong previous evidence of pathogenicity in unrelated individuals. This variant has been classified as likely pathogenic by the ClinGen Cardiomyopathy Variant Curation Expert Panel (ClinVar); Variant is located in a hotspot region or cluster of pathogenic variants. This variant is found within the head region, which is enriched with pathogenic missense variants (PMID: 29300372). Additional information: Variant is predicted to result in a missense amino acid change from Arg to His; This gene is associated with both recessive and dominant disease. Disease associated with this gene usually has autosomal dominant inheritance; however, a recessive inheritance pattern has been observed in severe cases (OMIM); Alternative amino acid change(s) at the same position are present in gnomAD (highest allele count: v4: 3 heterozygote(s), 0 homozygote(s)); Missense variant with inconclusive in silico prediction and/or uninformative conservation; The mechanism of disease for this gene is not clearly established; however, missense variants have been proposed to act in a dominant negative manner (PMID: 24714796).

Labcorp Genetics (formerly Invitae), Labcorp
Classification: Pathogenic for Hypertrophic cardiomyopathy. Last evaluated: 2026-01-14. Review status: criteria provided, single submitter. Criteria: Invitae Variant Classification Sherloc (09022015). Collection method: clinical testing. Allele origin: germline. Not counted in ClinVar's aggregate classification.
Comment: This sequence change replaces arginine, which is basic and polar, with histidine, which is basic and polar, at codon 869 of the MYH7 protein (p.Arg869His). This variant is present in population databases (rs202141173, gnomAD 0.01%). This missense change has been observed in individuals with hypertrophic cardiomyopathy (PMID: 16858239, 17180650, 18533079, 20359594, 22763267, 23674513, 24093860, 25078086, 27247418, 27532257, 29121657). ClinVar contains an entry for this variant (Variation ID: 177667). Invitae Evidence Modeling of protein sequence and biophysical properties (such as structural, functional, and spatial information, amino acid conservation, physicochemical variation, residue mobility, and thermodynamic stability) indicates that this missense variant is expected to disrupt MYH7 protein function with a positive predictive value of 95%. This variant disrupts the p.Arg869 amino acid residue in MYH7. Other variant(s) that disrupt this residue have been observed in individuals with MYH7-related conditions (PMID: 30588760, 32380161), which suggests that this may be a clinically significant amino acid residue. For these reasons, this variant has been classified as Pathogenic.

CeGaT Center for Human Genetics Tuebingen
Classification: Likely pathogenic. Last evaluated: 2026-01-01. Review status: criteria provided, single submitter. Criteria: CeGaT Center For Human Genetics Tuebingen Variant Classification Criteria Version 2. Collection method: clinical testing. Allele origin: germline. Affected: yes. Observed: 4 variant alleles. Not counted in ClinVar's aggregate classification.
Comment: MYH7: PS4, PM5, PM2:Supporting, PP1